The following is an entry in ClinVar:

NM_002439.5(MSH3):c.3029A>G (p.His1010Arg)

Gene: MSH3 (mutS homolog 3; plus strand). Cytogenetic location: 5q14.1.
Variant type: single nucleotide variant.
Coding change: c.3029A>G on transcript NM_002439.5 (MANE Select); coding-DNA position 3029, A replaced by G.
Protein change: p.His1010Arg; replaces histidine 1010 with arginine.
Molecular consequence: missense variant.
Genome position (GRCh38, 1-based): chr5:80,864,841, A>G. VCF-style: chr5-80864841-A-G. GRCh37 (hg19) VCF-style: chr5-80160660-A-G.
Other names: short protein forms H1010R.
Identifiers: ClinVar variation 822651 (VCV000822651.11), dbSNP rs1580098589, ClinGen allele CA360346136.

ClinVar aggregate classification (germline): Uncertain significance. Review status: criteria provided, multiple submitters, no conflicts (2 of 4 stars). 2 submissions from 2 submitters: Uncertain significance (2). Last evaluated 2025-08-29.

Conditions:
Hereditary cancer-predisposing syndrome. Also called: Tumor predisposition; Hereditary Cancer Syndrome; Neoplastic Syndromes, Hereditary; Hereditary neoplastic syndrome. Identifiers: Orphanet 140162, MedGen C0027672, MeSH D009386, MONDO:0015356.

Allele frequency attached by ClinVar (database versions not stated): gnomAD exomes below 0.00001.
gnomAD v4.1: 1 of 1,612,904 alleles (0.000062%); highest among the groups gnomAD compares: Non-Finnish European, 0.000085%; no homozygotes.

Submissions (2):

Ambry Genetics
Classification: Uncertain significance for Hereditary cancer-predisposing syndrome. Last evaluated: 2025-08-29. Review status: criteria provided, single submitter. Criteria: Ambry Variant Classification Scheme 2023. Collection method: clinical testing. Allele origin: germline.
Comment: The p.H1010R variant (also known as c.3029A>G), located in coding exon 22 of the MSH3 gene, results from an A to G substitution at nucleotide position 3029. The histidine at codon 1010 is replaced by arginine, an amino acid with highly similar properties. This amino acid position is highly conserved in available vertebrate species. In addition, this alteration is predicted to be deleterious by in silico analysis. Since supporting evidence is limited at this time, the clinical significance of this alteration remains unclear.

Labcorp Genetics (formerly Invitae), Labcorp
Classification: Uncertain significance. Last evaluated: 2021-04-13. Review status: criteria provided, single submitter. Criteria: Invitae Variant Classification Sherloc (09022015). Collection method: clinical testing. Allele origin: germline.
Comment: In summary, the available evidence is currently insufficient to determine the role of this variant in disease. Therefore, it has been classified as a Variant of Uncertain Significance. Algorithms developed to predict the effect of missense changes on protein structure and function are either unavailable or do not agree on the potential impact of this missense change (SIFT: "Deleterious"; PolyPhen-2: "Probably Damaging"; Align-GVGD: "Class C0"). This variant has not been reported in the literature in individuals with MSH3-related conditions. ClinVar contains an entry for this variant (Variation ID: 822651). This variant is not present in population databases (ExAC no frequency). This sequence change replaces histidine with arginine at codon 1010 of the MSH3 protein (p.His1010Arg). The histidine residue is moderately conserved and there is a small physicochemical difference between histidine and arginine.